The following is an entry in ClinVar:

ClinVar aggregate classification (germline): Likely benign (1 of 4 stars; one submission).

gnomAD v4.1: 96 of 1,612,672 alleles (0.006%); highest among the groups gnomAD compares: African/African-American, 0.0067%; no homozygotes.

Submission:

CeGaT Center for Human Genetics Tuebingen
Classification: Likely benign. Last evaluated: 2025-10-01. Review status: criteria provided, single submitter. Criteria: CeGaT Center For Human Genetics Tuebingen Variant Classification Criteria Version 2. Collection method: clinical testing. Allele origin: germline. Affected: yes. Observed: 1 variant allele.
Comment: BRF1: BP4, BP7

NM_001519.4(BRF1):c.1818G>A (p.Thr606=)

Gene: BRF1 (BRF1 general transcription factor IIIB subunit; minus strand). Cytogenetic location: 14q32.33.
Variant type: single nucleotide variant.
Coding change: c.1818G>A on transcript NM_001519.4 (MANE Select); coding-DNA position 1818, G replaced by A.
Protein change: p.Thr606=; no amino-acid change (threonine 606 retained).
Molecular consequence: synonymous variant.
Genome position (GRCh38, 1-based): chr14:105,212,119, C>T on the plus strand (G>A on the coding strand, the complement: BRF1 is on the minus strand). VCF-style: chr14-105212119-C-T. GRCh37 (hg19) VCF-style: chr14-105678456-C-T.
Other names: c.1539G>A, p.Thr513= (NM_001242786.2); c.1473G>A, p.Thr491= (NM_001242787.2); c.1737G>A, p.Thr579= (NM_001242788.2); c.1104G>A, p.Thr368= (NM_001242789.2); c.1815G>A, p.Thr605= (NM_001440449.1); c.1668G>A, p.Thr556= (NM_001440450.1); c.1323G>A, p.Thr441= (NM_001440451.1); c.1305G>A, p.Thr435= (NM_001440452.1); and 3 more.
Identifiers: ClinVar variation 4534290 (VCV004534290.6).